The following is an entry in ClinVar:

ClinVar aggregate classification (germline): Uncertain significance (1 of 4 stars; one submission).

gnomAD v4.1: 2 of 1,566,092 alleles (0.00013%); highest among the groups gnomAD compares: East Asian, 0.0024%; no homozygotes.

Submission:

Labcorp Genetics (formerly Invitae), Labcorp
Classification: Uncertain significance. Last evaluated: 2022-06-27. Review status: criteria provided, single submitter. Criteria: Invitae Variant Classification Sherloc (09022015). Collection method: clinical testing. Allele origin: germline.
Comment: This sequence change replaces aspartic acid, which is acidic and polar, with asparagine, which is neutral and polar, at codon 25 of the DMXL2 protein (p.Asp25Asn). In summary, the available evidence is currently insufficient to determine the role of this variant in disease. Therefore, it has been classified as a Variant of Uncertain Significance. Algorithms developed to predict the effect of missense changes on protein structure and function (SIFT, PolyPhen-2, Align-GVGD) all suggest that this variant is likely to be tolerated. This variant has not been reported in the literature in individuals affected with DMXL2-related conditions. This variant is not present in population databases (gnomAD no frequency).

NM_001378457.1(DMXL2):c.73G>A (p.Asp25Asn)

Gene: DMXL2 (Dmx like 2; minus strand). Cytogenetic location: 15q21.2.
Variant type: single nucleotide variant.
Coding change: c.73G>A on transcript NM_001378457.1 (MANE Select); coding-DNA position 73, G replaced by A.
Protein change: p.Asp25Asn; replaces aspartic acid 25 with asparagine.
Molecular consequence: missense variant. On other transcripts: non-coding transcript variant (2).
Genome position (GRCh38, 1-based): chr15:51,622,473, C>T on the plus strand (G>A on the coding strand, the complement: DMXL2 is on the minus strand). VCF-style: chr15-51622473-C-T. GRCh37 (hg19) VCF-style: chr15-51914670-C-T.
Other names: c.73G>A, p.Asp25Asn (NM_001174116.3, NM_001174117.3, NM_001378458.1 and 7 more transcripts); short protein forms D25N.
Identifiers: ClinVar variation 2011629 (VCV002011629.4), dbSNP rs931705040, ClinGen allele CA392755380.